The following is an entry in ClinVar:

ClinVar aggregate classification (germline): Uncertain significance. Review status: criteria provided, multiple submitters, no conflicts (2 of 4 stars). 2 submissions from 2 submitters: Uncertain significance (2). Last evaluated 2025-08-09.

Allele frequency attached by ClinVar (database versions not stated): ExAC 0.00044; TOPMed 0.00051; gnomAD 0.00056 and 0.00060; ESP Exome Variant Server 0.00092.

Submissions (2):

Ambry Genetics
Classification: Uncertain significance. Last evaluated: 2025-08-09. Review status: criteria provided, single submitter. Criteria: Ambry Variant Classification Scheme 2023. Collection method: clinical testing. Allele origin: germline.

CeGaT Center for Human Genetics Tuebingen
Classification: Uncertain significance. Last evaluated: 2024-02-01. Review status: criteria provided, single submitter. Criteria: CeGaT Center For Human Genetics Tuebingen Variant Classification Criteria Version 2. Collection method: clinical testing. Allele origin: germline. Affected: yes. Observed: 2 variant alleles.
Comment: TRIM54: PM2:Supporting

NM_187841.3(TRIM54):c.584T>G (p.Met195Arg)

Gene: TRIM54 (tripartite motif containing 54; plus strand). Cytogenetic location: 2p23.3.
Variant type: single nucleotide variant.
Coding change: c.584T>G on transcript NM_187841.3 (MANE Select); coding-DNA position 584, T replaced by G.
Protein change: p.Met195Arg; replaces methionine 195 with arginine.
Molecular consequence: missense variant.
Genome position (GRCh38, 1-based): chr2:27,305,029, T>G. VCF-style: chr2-27305029-T-G. GRCh37 (hg19) VCF-style: chr2-27527897-T-G.
Other names: c.710T>G (NM_032546.3); c.710T>G, p.Met237Arg (NM_032546.4); short protein forms M195R, M237R.
Identifiers: ClinVar variation 1176732 (VCV001176732.36), dbSNP rs139128442, ClinGen allele CA1575148.
Genomic context (GRCh38, chr2:27,305,029, plus strand): 5'-GCGATGGCATCGCGATGCTGGTGGCAGGCAATGACCGCGTGCAAGCAGTGATCACACAGA[T>G]GGAGGAGGTGTGCCAGACTATCGAGGTGAGCCTGGGCTGGAGGGAGGGAGGAACAGCAAC-3'
Protein context (NP_912730.2, residues 185-205): NDRVQAVITQ[Met195Arg]EEVCQTIEDN